The following is an entry in ClinVar:

ClinVar aggregate classification (germline): Conflicting classifications of pathogenicity. Review status: criteria provided, conflicting classifications (1 of 4 stars). 8 submissions from 8 submitters: Uncertain significance (5); Likely benign (3). Last evaluated 2026-05-12.

Conditions:
Leigh syndrome (NULS). Also called: Leigh's syndrome; LEIGH SYNDROME, NUCLEAR; Subacute necrotizing encephalopathy; Necrotizing encephalopathy infantile subacute of Leigh; Leigh's necrotizing encephalopathy; Leigh's disease. Identifiers: Orphanet 506, MedGen C2931891, MONDO:0009723, OMIM 256000.
Mitochondrial complex IV deficiency, nuclear type 4. Also called: Mitochondrial complex 4 deficiency, nuclear type 4. Identifiers: MedGen C5436683, MONDO:0033636, OMIM 619048.
Inborn genetic diseases. Identifiers: MedGen C0950123, MeSH D030342.

Allele frequency attached by ClinVar (database versions not stated): gnomAD 0.00058 and 0.00062; TOPMed 0.00059; ESP Exome Variant Server 0.00062; 1000 Genomes Project 0.00120; 1000 Genomes Project 30x 0.00141.
gnomAD v4.1: 1,262 of 1,614,190 alleles (0.078%); highest among the groups gnomAD compares: South Asian, 0.3%; 3 homozygotes.

Submissions (8):

GeneDx
Classification: Uncertain significance. Last evaluated: 2026-05-12. Review status: criteria provided, single submitter. Criteria: GeneDx Variant Classification Process June 2021. Collection method: clinical testing. Allele origin: germline.
Comment: In silico analysis suggests that this missense variant does not alter protein structure/function; Has not been previously published as pathogenic or benign to our knowledge

Labcorp Genetics (formerly Invitae), Labcorp
Classification: Likely benign. Last evaluated: 2025-07-06. Review status: criteria provided, single submitter. Criteria: Invitae Variant Classification Sherloc (09022015). Collection method: clinical testing. Allele origin: germline.

Ambry Genetics
Classification: Likely benign for Inborn genetic diseases. Last evaluated: 2024-12-28. Review status: criteria provided, single submitter. Criteria: Ambry Variant Classification Scheme 2023. Collection method: clinical testing. Allele origin: germline.

Blueprint Genetics
Classification: Likely benign. Last evaluated: 2024-11-28. Review status: criteria provided, single submitter. Criteria: ACMG Guidelines, 2015. Collection method: clinical testing. Allele origin: germline.

Mayo Clinic Laboratories, Mayo Clinic
Classification: Uncertain significance. Last evaluated: 2024-01-26. Review status: criteria provided, single submitter. Criteria: ACMG Guidelines, 2015. Collection method: clinical testing. Allele origin: germline. Observed: 2 variant alleles.
Comment: BS1

Baylor Genetics
Classification: Uncertain significance for Mitochondrial complex IV deficiency, nuclear type 4. Last evaluated: 2022-04-14. Review status: criteria provided, single submitter. Criteria: ACMG Guidelines, 2015. Collection method: clinical testing. Allele origin: unknown.

Revvity Omics, Revvity
Classification: Uncertain significance for Mitochondrial complex IV deficiency, nuclear type 4. Last evaluated: 2020-04-02. Review status: criteria provided, single submitter. Criteria: ACMG Guidelines, 2015. Collection method: clinical testing. Allele origin: germline.

Illumina Laboratory Services, Illumina
Classification: Uncertain significance for Leigh syndrome. Last evaluated: 2018-01-12. Review status: criteria provided, single submitter. Criteria: ICSL Variant Classification Criteria 13 December 2019. Collection method: clinical testing. Allele origin: germline.

NM_004589.4(SCO1):c.868A>G (p.Ile290Val)

Gene: SCO1 (synthesis of cytochrome C oxidase 1; minus strand). Cytogenetic location: 17p13.1.
Variant type: single nucleotide variant.
Coding change: c.868A>G on transcript NM_004589.4 (MANE Select); coding-DNA position 868, A replaced by G.
Protein change: p.Ile290Val; replaces isoleucine 290 with valine.
Molecular consequence: missense variant.
Genome position (GRCh38, 1-based): chr17:10,681,157, T>C on the plus strand (A>G on the coding strand, the complement: SCO1 is on the minus strand). VCF-style: chr17-10681157-T-C. GRCh37 (hg19) VCF-style: chr17-10584474-T-C.
Other names: p.Ile290Val; short protein forms I290V.
Identifiers: ClinVar variation 321791 (VCV000321791.21), dbSNP rs139771078, ClinGen allele CA8393457.
Genomic context (GRCh38, chr17:10,681,157, plus strand): 5'-GCATCCAGCAACACTGCTTTGGCTAGCTCTTTTTTCTGTATGGCCTCATGTGTGTGGCAA[T>C]TGAAGCAGCTATTTCTCCCTTCCTCTTGTTCTGGCCAAAATAATCTAGAAACTCACCATC-3'
Protein context (NP_004580.1, residues 280-300): NKRKGEIAAS[Ile290Val]ATHMRPYRKK